The following is an entry in ClinVar:

ClinVar aggregate classification (germline): Uncertain significance (1 of 4 stars; one submission).

Conditions:
Primary ciliary dyskinesia. Also called: Ciliary dyskinesia. Identifiers: Orphanet 244, MedGen C0008780, MONDO:0016575, HP:0012265.

Allele frequency attached by ClinVar (database versions not stated): ExAC 0.00001; TOPMed 0.00001; gnomAD exomes 0.00002.
gnomAD v4.1: 28 of 1,613,152 alleles (0.0017%); highest among the groups gnomAD compares: Non-Finnish European, 0.0023%; no homozygotes.

Submission:

Labcorp Genetics (formerly Invitae), Labcorp
Classification: Uncertain significance for Primary ciliary dyskinesia. Last evaluated: 2025-10-02. Review status: criteria provided, single submitter. Criteria: Invitae Variant Classification Sherloc (09022015). Collection method: clinical testing. Allele origin: germline.
Comment: This sequence change replaces valine, which is neutral and non-polar, with leucine, which is neutral and non-polar, at codon 3274 of the DNAH8 protein (p.Val3274Leu). This variant is present in population databases (rs767192586, gnomAD 0.0009%). This variant has not been reported in the literature in individuals affected with DNAH8-related conditions. ClinVar contains an entry for this variant (Variation ID: 2730687). Invitae Evidence Modeling of protein sequence and biophysical properties (such as structural, functional, and spatial information, amino acid conservation, physicochemical variation, residue mobility, and thermodynamic stability) indicates that this missense variant is not expected to disrupt DNAH8 protein function with a negative predictive value of 80%. In summary, the available evidence is currently insufficient to determine the role of this variant in disease. Therefore, it has been classified as a Variant of Uncertain Significance.

NM_001206927.2(DNAH8):c.9820G>C (p.Val3274Leu)

Genes: DNAH8 (dynein axonemal heavy chain 8; plus strand), DNAH8-AS1 (DNAH8 antisense RNA 1; minus strand). Cytogenetic location: 6p21.2.
Variant type: single nucleotide variant.
Coding change: c.9820G>C on transcript NM_001206927.2 (MANE Select); coding-DNA position 9820, G replaced by C.
Protein change: p.Val3274Leu; replaces valine 3274 with leucine.
Molecular consequence: missense variant.
Genome position (GRCh38, 1-based): chr6:38,911,547, G>C. VCF-style: chr6-38911547-G-C. GRCh37 (hg19) VCF-style: chr6-38879323-G-C.
Other names: c.9169G>C, p.Val3057Leu (NM_001371.4); short protein forms V3057L, V3274L.
Identifiers: ClinVar variation 2730687 (VCV002730687.3), dbSNP rs767192586, ClinGen allele CA3790573.